The following is an entry in ClinVar:

ClinVar aggregate classification (germline): Uncertain significance (1 of 4 stars; one submission).

Submission:

Ambry Genetics
Classification: Uncertain significance. Last evaluated: 2022-06-09. Review status: criteria provided, single submitter. Criteria: Ambry Variant Classification Scheme 2023. Collection method: clinical testing. Allele origin: germline.
Comment: The p.S84I variant (also known as c.251G>T), located in coding exon 3 of the RINT1 gene, results from a G to T substitution at nucleotide position 251. The serine at codon 84 is replaced by isoleucine, an amino acid with dissimilar properties. This amino acid position is conserved. In addition, this alteration is predicted to be tolerated by in silico analysis. Since supporting evidence is limited at this time, the clinical significance of this alteration remains unclear.

NM_021930.6(RINT1):c.251G>T (p.Ser84Ile)

Gene: RINT1 (RAD50 interactor 1; plus strand). Cytogenetic location: 7q22.3.
Variant type: single nucleotide variant.
Coding change: c.251G>T on transcript NM_021930.6 (MANE Select); coding-DNA position 251, G replaced by T.
Protein change: p.Ser84Ile; replaces serine 84 with isoleucine.
Molecular consequence: missense variant. On other transcripts: 5 prime UTR variant (3), non-coding transcript variant (1), intron variant (1).
Genome position (GRCh38, 1-based): chr7:105,536,727, G>T. VCF-style: chr7-105536727-G-T. GRCh37 (hg19) VCF-style: chr7-105177174-G-T.
Other names: c.-769G>T (NM_001346600.2); c.-672G>T (NM_001346601.2); c.-292G>T (NM_001346603.2); c.39+115G>T (NM_001346599.2); short protein forms S84I.
Identifiers: ClinVar variation 1792519 (VCV001792519.2), dbSNP rs1017536954, ClinGen allele CA368800710.
Genomic context (GRCh38, chr7:105,536,727, plus strand): 5'-TTGGAAATGACCTTAAATCTTTAAAGAAACTTGATAAACTCATAGAACAGAGGACAGTAA[G>T]TAAAATGCAGTTAGAAGAACAGGTAAGTATTGAAACTCACTGAAATAATTATCAGTGGAA-3'
Protein context (NP_068749.3, residues 74-94): LDKLIEQRTV[Ser84Ile]KMQLEEQVLT